The following is an entry in ClinVar:

ClinVar aggregate classification (germline): Uncertain significance (1 of 4 stars; one submission).

Conditions:
Inborn genetic diseases. Identifiers: MedGen C0950123, MeSH D030342.

Allele frequency attached by ClinVar (database versions not stated): ExAC 0.00012; ESP Exome Variant Server 0.00031; TOPMed 0.00037; gnomAD 0.00038; 1000 Genomes Project 0.00100; 1000 Genomes Project 30x 0.00109.
gnomAD v4.1: 114 of 1,613,700 alleles (0.0071%); highest among the groups gnomAD compares: African/African-American, 0.14%; no homozygotes.

Submission:

Ambry Genetics
Classification: Uncertain significance for Inborn genetic diseases. Last evaluated: 2017-12-18. Review status: criteria provided, single submitter. Criteria: Ambry Variant Classification Scheme 2023. Collection method: clinical testing. Allele origin: germline.
Comment: The p.S1291T variant (also known as c.3872G>C), located in coding exon 29 of the MED23 gene, results from a G to C substitution at nucleotide position 3872. The serine at codon 1291 is replaced by threonine, an amino acid with similar properties. This amino acid position is not well conserved in available vertebrate species. In addition, this alteration is predicted to be tolerated by in silico analysis. Since supporting evidence is limited at this time, the clinical significance of this alteration remains unclear.

NM_004830.4(MED23):c.3854G>C (p.Ser1285Thr)

Gene: MED23 (mediator complex subunit 23; minus strand). Cytogenetic location: 6q23.2.
Variant type: single nucleotide variant.
Coding change: c.3854G>C on transcript NM_004830.4 (MANE Select); coding-DNA position 3854, G replaced by C.
Protein change: p.Ser1285Thr; replaces serine 1285 with threonine.
Molecular consequence: missense variant.
Genome position (GRCh38, 1-based): chr6:131,589,550, C>G on the plus strand (G>C on the coding strand, the complement: MED23 is on the minus strand). VCF-style: chr6-131589550-C-G. GRCh37 (hg19) VCF-style: chr6-131910690-C-G.
Other names: c.3854G>C, p.Ser1285Thr (NM_001270521.2, NM_001270522.2); c.3872G>C, p.Ser1291Thr (NM_001376517.1, NM_015979.4); c.3800G>C, p.Ser1267Thr (NM_001376518.1); c.3716G>C, p.Ser1239Thr (NM_001376519.1, NM_001376521.1); c.3713G>C, p.Ser1238Thr (NM_001376520.1); c.3683G>C, p.Ser1228Thr (NM_001376522.1); c.3599G>C, p.Ser1200Thr (NM_001376523.1); c.3467G>C, p.Ser1156Thr (NM_001376524.1); short protein forms S1200T, S1267T, S1291T, S1238T, S1156T, S1228T, S1239T, S1285T.
Identifiers: ClinVar variation 1735723 (VCV001735723.2), dbSNP rs139398917, ClinGen allele CA3999510.